The following is an entry in ClinVar:

ClinVar aggregate classification (germline): Uncertain significance (1 of 4 stars; one submission).

gnomAD v4.1: 2 of 1,212,363 alleles (0.00016%); highest among the groups gnomAD compares: Non-Finnish European, 0.00011%; no homozygotes.

Submission:

Mayo Clinic Laboratories, Mayo Clinic
Classification: Uncertain significance. Last evaluated: 2024-12-18. Review status: criteria provided, single submitter. Criteria: ACMG Guidelines, 2015. Collection method: clinical testing. Allele origin: germline. Observed: 1 variant allele.
Comment: PP2

NM_001110556.2(FLNA):c.7603G>A (p.Val2535Ile)

Genes: FLNA (filamin A; minus strand), LOC107988032 (Xq28 proximal FLNA-EMD recombination region; plus strand). Cytogenetic location: Xq28.
Variant type: single nucleotide variant.
Coding change: c.7603G>A on transcript NM_001110556.2 (MANE Select); coding-DNA position 7603, G replaced by A.
Protein change: p.Val2535Ile; replaces valine 2535 with isoleucine.
Molecular consequence: missense variant.
Genome position (GRCh38, 1-based): chrX:154,349,515, C>T on the plus strand (G>A on the coding strand, the complement: FLNA is on the minus strand). VCF-style: chrX-154349515-C-T. GRCh37 (hg19) VCF-style: chrX-153577883-C-T.
Other names: p.Val2527Ile; c.7579G>A, p.Val2527Ile (NM_001456.4); short protein forms V2535I, V2527I.
Identifiers: ClinVar variation 4542506 (VCV004542506.1).